The following is an entry in ClinVar:

ClinVar aggregate classification (germline): Pathogenic/Likely pathogenic. Review status: criteria provided, multiple submitters, no conflicts (2 of 4 stars). 7 submissions from 7 submitters: Pathogenic (6); Likely pathogenic (1). Last evaluated 2025-12-15.

Conditions:
Congenital anomaly of kidney and urinary tract. Also called: Congenital anomalies of kidney and urinary tract; Congenital anomalies of the kidney and urinary tract. Identifiers: Orphanet 93545, MedGen C1968949, MeSH C566906, MONDO:0019719.
NPHP3-related disorder. Also called: NPHP3-related disorders; NPHP3-related condition. Identifiers: MedGen CN379163.
Nephronophthisis. Also called: Juvenile Nephronophthisis. Identifiers: Orphanet 655, MedGen C0687120, MONDO:0019005, HP:0000090.
Nephronophthisis 3 (NPHP3). Also called: Adolescent nephronophthisis. Identifiers: Orphanet 655, MedGen C1858392, MONDO:0011456, OMIM 604387.

Submissions (7):

Labcorp Genetics (formerly Invitae), Labcorp
Classification: Pathogenic for Nephronophthisis. Last evaluated: 2025-12-15. Review status: criteria provided, single submitter. Criteria: Invitae Variant Classification Sherloc (09022015). Collection method: clinical testing. Allele origin: germline.
Comment: This sequence change creates a premature translational stop signal (p.Thr136Argfs*13) in the NPHP3 gene. It is expected to result in an absent or disrupted protein product. Loss-of-function variants in NPHP3 are known to be pathogenic (PMID: 18371931, 23559409). This variant is present in population databases (no rsID available, gnomAD 0.004%). This premature translational stop signal has been observed in individual(s) with nephronophthisis (PMID: 23188109). ClinVar contains an entry for this variant (Variation ID: 598394). For these reasons, this variant has been classified as Pathogenic.

PreventionGenetics, part of Exact Sciences
Classification: Pathogenic for NPHP3-related condition. Last evaluated: 2025-08-21. Review status: criteria provided, single submitter. Criteria: ACMG Guidelines, 2015. Collection method: clinical testing. Allele origin: germline.
Comment: The NPHP3 c.406delA variant is predicted to result in a frameshift and premature protein termination (p.Thr136Argfs*13). This variant was reported in the homozygous state in an individual with infantile nephronophthisis (Halbritter et al. 2012. PubMed ID: 23188109). This variant is reported in 0.0041% of alleles in individuals of African descent in gnomAD. Frameshift variants in NPHP3 are expected to be pathogenic. This variant is interpreted as pathogenic.

MVZ Medizinische Genetik Mainz
Classification: Pathogenic for Nephronophthisis 3. Last evaluated: 2024-07-05. Review status: criteria provided, single submitter. Criteria: UK Practice Guidelines For Variant Classification V4 01 2020. Collection method: clinical testing. Allele origin: germline. Inheritance: Autosomal recessive inheritance. Affected: yes. Observed: 1 variant allele.
Comment: ACMG Criteria: PVS1,PM3,PM2_SUP; Compound Heterozygote

GeneDx
Classification: Pathogenic. Last evaluated: 2024-06-23. Review status: criteria provided, single submitter. Criteria: GeneDx Variant Classification Process June 2021. Collection method: clinical testing. Allele origin: germline. Affected: yes.
Comment: Frameshift variant predicted to result in protein truncation or nonsense mediated decay in a gene for which loss of function is a known mechanism of disease; Not observed at significant frequency in large population cohorts (gnomAD); This variant is associated with the following publications: (PMID: 31589614, 36090483, 23559409, 18371931, 23188109)

Blueprint Genetics
Classification: Pathogenic for NPHP3-related disorders. Last evaluated: 2022-06-24. Review status: criteria provided, single submitter. Criteria: ACMG Guidelines, 2015. Collection method: clinical testing. Allele origin: germline. Affected: yes. Observed: 5 variant alleles.

Cambridge Genomics Laboratory, East Genomic Laboratory Hub, NHS Genomic Medicine Service
Classification: Likely pathogenic for Congenital anomaly of kidney and urinary tract. Last evaluated: 2019-09-03. Review status: criteria provided, single submitter. Criteria: ACGS Best Practice Guidelines for Variant Classification in Rare Disease 2020. Collection method: clinical testing. Allele origin: germline. Affected: yes. Observed: 1 variant allele.

Eurofins Ntd Llc (ga)
Classification: Pathogenic. Last evaluated: 2018-08-17. Review status: criteria provided, single submitter. Criteria: EGL ClinVar v180209 classification definitions. Collection method: clinical testing. Allele origin: germline. Observed: 1 variant allele, 1 heterozygote.

Literature cited by the submitters: PubMed 18371931 (cited by Labcorp Genetics (formerly Invitae), Labcorp); PubMed 23559409 (cited by Labcorp Genetics (formerly Invitae), Labcorp); PubMed 23188109 (cited by Labcorp Genetics (formerly Invitae), Labcorp).

NM_153240.5(NPHP3):c.406del (p.Thr136fs)

Genes: NPHP3 (nephrocystin 3; minus strand), NPHP3-ACAD11 (NPHP3-ACAD11 readthrough (NMD candidate); minus strand). Cytogenetic location: 3q22.1.
Variant type: Deletion.
Coding change: c.406del on transcript NM_153240.5 (MANE Select); coding-DNA position 406, one base deleted (A; older notation c.406delA).
Protein change: p.Thr136fs; shifts the reading frame from threonine 136.
Molecular consequence: frameshift variant. On other transcripts: non-coding transcript variant (1).
Genome position (GRCh38, 1-based): chr3:132,719,818, T deleted on the plus strand (A on the coding strand, the reverse complement: NPHP3 is on the minus strand); the first of 6 consecutive T bases (chr3:132,719,818-132,719,823); deleting any one gives the same sequence. VCF-style (leftmost placement, unchanged base first): chr3-132719817-GT-G. GRCh37 (hg19) VCF-style: chr3-132438661-GT-G.
Other names: short protein forms T136fs.
Identifiers: ClinVar variation 598394 (VCV000598394.22), dbSNP rs1379989124, ClinGen allele CA435801550.